The following is an entry in ClinVar:

ClinVar aggregate classification (germline): Uncertain significance (1 of 4 stars; one submission).

Conditions:
Inborn genetic diseases. Identifiers: MedGen C0950123, MeSH D030342.

Submission:

Ambry Genetics
Classification: Uncertain significance for Inborn genetic diseases. Last evaluated: 2025-10-01. Review status: criteria provided, single submitter. Criteria: Ambry Variant Classification Scheme 2023. Collection method: clinical testing. Allele origin: germline.
Comment: The c.849G>A variant (also known as p.L283L), located in coding exon 9 of the DDX41 gene, results from a G to A substitution at nucleotide position 849. This nucleotide substitution does not change the amino acid at codon 283. This nucleotide position is well conserved in available vertebrate species. In silico splice site analysis for this alteration is inconclusive. Based on the available evidence, the clinical significance of this variant remains unclear.

NM_016222.4(DDX41):c.849G>A (p.Leu283=)

Gene: DDX41 (DEAD-box helicase 41; minus strand). Cytogenetic location: 5q35.3.
Variant type: single nucleotide variant.
Coding change: c.849G>A on transcript NM_016222.4 (MANE Select); coding-DNA position 849, G replaced by A.
Protein change: p.Leu283=; no amino-acid change (leucine 283 retained).
Molecular consequence: synonymous variant.
Genome position (GRCh38, 1-based): chr5:177,514,787, C>T on the plus strand (G>A on the coding strand, the complement: DDX41 is on the minus strand). VCF-style: chr5-177514787-C-T. GRCh37 (hg19) VCF-style: chr5-176941788-C-T.
Other names: c.471G>A, p.Leu157= (NM_001321732.2, NM_001321830.2).
Identifiers: ClinVar variation 4617131 (VCV004617131.1).